The following is an entry in ClinVar:

NM_177417.3(KLC3):c.1485C>T (p.Ser495=)

Genes: ERCC2 (ERCC excision repair 2, TFIIH core complex helicase subunit; minus strand), KLC3 (kinesin light chain 3; plus strand). Cytogenetic location: 19q13.32.
Variant type: single nucleotide variant.
Coding change: c.1485C>T on transcript NM_177417.3 (MANE Select); coding-DNA position 1485, C replaced by T.
Protein change: p.Ser495=; no amino-acid change (serine 495 retained).
Molecular consequence: synonymous variant. On other transcripts: 3 prime UTR variant (1).
Genome position (GRCh38, 1-based): chr19:45,351,327, C>T. VCF-style: chr19-45351327-C-T. GRCh37 (hg19) VCF-style: chr19-45854585-C-T.
Other names: c.*302G>A (NM_000400.4).
Identifiers: ClinVar variation 2650099 (VCV002650099.24), dbSNP rs373906614, ClinGen allele CA9512742.

ClinVar aggregate classification (germline): Likely benign (1 of 4 stars; one submission).

Allele frequency attached by ClinVar (database versions not stated): ESP Exome Variant Server 0.00008; ExAC 0.00012.
gnomAD v4.1: 161 of 1,611,998 alleles (0.01%); highest among the groups gnomAD compares: Middle Eastern, 0.049%; no homozygotes.

Submission:

CeGaT Center for Human Genetics Tuebingen
Classification: Likely benign. Last evaluated: 2022-05-01. Review status: criteria provided, single submitter. Criteria: CeGaT Center For Human Genetics Tuebingen Variant Classification Criteria Version 2. Collection method: clinical testing. Allele origin: germline. Affected: yes. Observed: 1 variant allele.
Comment: KLC3: BP4, BP7